The following is an entry in ClinVar:

ClinVar aggregate classification (germline): Pathogenic (1 of 4 stars; one submission).

Submission:

GeneDx
Classification: Pathogenic. Last evaluated: 2018-02-21. Review status: criteria provided, single submitter. Criteria: GeneDx Variant Classification (06012015). Collection method: clinical testing. Allele origin: germline. Affected: yes.
Comment: The c.128_129delAA variant has not been published as a pathogenic variant, nor has it been reported as a benign variant to our knowledge. The variant causes a frameshift starting with codon Lysine 43, changes this amino acid to an Arginine residue and creates a premature Stop codon at position 7 of the new reading frame, denoted p.Lys43ArgfsX7. This pathogenic variant is predicted to cause loss of normal protein function either through protein truncation or nonsense-mediated mRNA decay. The variant is not observed in large population cohorts (Lek et al., 2016). In summary, we consider the variant to be pathogenic.

NM_001022.4(RPS19):c.128_129del (p.Lys43fs)

Genes: RPS19 (ribosomal protein S19; plus strand), RPS19-CD79A (RPS19-CD79A readthrough; plus strand). Cytogenetic location: 19q13.2.
Variant type: Deletion.
Coding change: c.128_129del on transcript NM_001022.4 (MANE Select); coding-DNA positions 128 to 129, 2 bases deleted (AA; older notation c.128_129delAA).
Protein change: p.Lys43fs; shifts the reading frame from lysine 43.
Molecular consequence: frameshift variant.
Genome position (GRCh38, 1-based): chr19:41,861,168-41,861,169, AA deleted; deleting any 2 consecutive bases within chr19:41,861,167-41,861,169 gives the same sequence; the c. name uses the placement nearest the transcript's 3' end. VCF-style (leftmost placement, unchanged base first): chr19-41861166-CAA-C. GRCh37 (hg19) VCF-style: chr19-42365235-CAA-C.
Other names: c.128_129del, p.Lys43fs (NM_001321483.2, NM_001321484.2, NM_001321485.2); short protein forms K43fs.
Identifiers: ClinVar variation 504400 (VCV000504400.1), dbSNP rs1555839161, ClinGen allele CA658799237.